The following is an entry in ClinVar:

NM_144643.4(SCLT1):c.106G>A (p.Ala36Thr)

Gene: SCLT1 (sodium channel and clathrin linker 1; minus strand). Cytogenetic location: 4q28.2.
Variant type: single nucleotide variant.
Coding change: c.106G>A on transcript NM_144643.4 (MANE Select); coding-DNA position 106, G replaced by A.
Protein change: p.Ala36Thr; replaces alanine 36 with threonine.
Molecular consequence: missense variant.
Genome position (GRCh38, 1-based): chr4:129,044,048, C>T on the plus strand (G>A on the coding strand, the complement: SCLT1 is on the minus strand). VCF-style: chr4-129044048-C-T. GRCh37 (hg19) VCF-style: chr4-129965203-C-T.
Other names: c.106G>A, p.Ala36Thr (NM_001300897.2, NM_001300898.2, NM_001410807.1); short protein forms A36T.
Identifiers: ClinVar variation 2073088 (VCV002073088.4), dbSNP rs1488402506, ClinGen allele CA358187953.

ClinVar aggregate classification (germline): Uncertain significance (1 of 4 stars; one submission).

Allele frequency attached by ClinVar (database versions not stated): gnomAD exomes below 0.00001.
gnomAD v4.1: 3 of 1,553,646 alleles (0.00019%); highest among the groups gnomAD compares: Non-Finnish European, 0.00027%; no homozygotes.

Submission:

Labcorp Genetics (formerly Invitae), Labcorp
Classification: Uncertain significance. Last evaluated: 2022-05-28. Review status: criteria provided, single submitter. Criteria: Invitae Variant Classification Sherloc (09022015). Collection method: clinical testing. Allele origin: germline.
Comment: This sequence change replaces alanine, which is neutral and non-polar, with threonine, which is neutral and polar, at codon 36 of the SCLT1 protein (p.Ala36Thr). In summary, the available evidence is currently insufficient to determine the role of this variant in disease. Therefore, it has been classified as a Variant of Uncertain Significance. Algorithms developed to predict the effect of missense changes on protein structure and function output the following: SIFT: "Tolerated"; PolyPhen-2: "Benign"; Align-GVGD: "Class C0". The threonine amino acid residue is found in multiple mammalian species, which suggests that this missense change does not adversely affect protein function. This variant has not been reported in the literature in individuals affected with SCLT1-related conditions. This variant is present in population databases (no rsID available, gnomAD 0.0009%).